The following is an entry in ClinVar:

NM_014946.4(SPAST):c.1304C>T (p.Pro435Leu)

Gene: SPAST (spastin; plus strand). Cytogenetic location: 2p22.3.
Variant type: single nucleotide variant.
Coding change: c.1304C>T on transcript NM_014946.4 (MANE Select); coding-DNA position 1304, C replaced by T.
Protein change: p.Pro435Leu; replaces proline 435 with leucine.
Molecular consequence: missense variant.
Genome position (GRCh38, 1-based): chr2:32,136,621, C>T. VCF-style: chr2-32136621-C-T. GRCh37 (hg19) VCF-style: chr2-32361690-C-T.
Other names: c.1301C>T, p.Pro434Leu (NM_001363823.2); c.1205C>T, p.Pro402Leu (NM_001363875.2); c.1208C>T, p.Pro403Leu (NM_001377959.1, NM_199436.2); short protein forms P434L, P435L, P402L, P403L.
Identifiers: ClinVar variation 1363767 (VCV001363767.6), dbSNP rs1553318182, ClinGen allele CA346502105.
Genomic context (GRCh38, chr2:32,136,621, plus strand): 5'-AGGTGGGAGAAGGAGAGAAATTGGTGAGGGCTCTTTTTGCTGTGGCTCGAGAACTTCAAC[C>T]TTCTATAATTTTTATAGGTAAGAACATATTTTCCAACTAAGTTATTGACTATTTGTGAAA-3'
Protein context (NP_055761.2, residues 425-445): ALFAVARELQ[Pro435Leu]SIIFIDEVDS

ClinVar aggregate classification (germline): Pathogenic (1 of 4 stars; one submission).

Conditions:
Hereditary spastic paraplegia 4. Also called: Spastic paraplegia 4, autosomal dominant; Spastic Paraplegia 4; Familial spastic paraplegia autosomal dominant 2. Identifiers: Orphanet 100985, MedGen C1866855, MONDO:0008438, OMIM 182601.

Allele frequency attached by ClinVar (database versions not stated): gnomAD exomes below 0.00001.
gnomAD v4.1: 1 of 1,612,866 alleles (0.000062%); highest among the groups gnomAD compares: Non-Finnish European, 0.000085%; no homozygotes.

Submission:

Labcorp Genetics (formerly Invitae), Labcorp
Classification: Pathogenic for Hereditary spastic paraplegia 4. Last evaluated: 2021-08-21. Review status: criteria provided, single submitter. Criteria: Invitae Variant Classification Sherloc (09022015). Collection method: clinical testing. Allele origin: germline.
Comment: This sequence change replaces proline with leucine at codon 435 of the SPAST protein (p.Pro435Leu). The proline residue is highly conserved and there is a moderate physicochemical difference between proline and leucine. This variant is not present in population databases (ExAC no frequency). This missense change has been observed in individuals with hereditary spastic paraplegia (PMID: 16684598, 27084228; Invitae). Advanced modeling of protein sequence and biophysical properties (such as structural, functional, and spatial information, amino acid conservation, physicochemical variation, residue mobility, and thermodynamic stability) performed at Invitae indicates that this missense variant is expected to disrupt SPAST protein function. This variant disrupts the p.Pro435 amino acid residue in SPAST. Other variant(s) that disrupt this residue have been observed in individuals with SPAST-related conditions (PMID: 27334366), which suggests that this may be a clinically significant amino acid residue. For these reasons, this variant has been classified as Pathogenic.

Literature cited by the submitters: PubMed 16684598; PubMed 27084228; PubMed 27334366.